The following is an entry in ClinVar:

ClinVar aggregate classification (germline): Uncertain significance (1 of 4 stars; one submission).

Conditions:
Neuroblastoma, susceptibility to, 3. Also called: ALK-Related Neuroblastic Tumor Susceptibility. Identifiers: Orphanet 635, MedGen C2751681, MONDO:0013083, OMIM 613014.

Allele frequency attached by ClinVar (database versions not stated): gnomAD exomes below 0.00001 and 0.00001.
gnomAD v4.1: 2 of 1,574,364 alleles (0.00013%); no homozygotes.

Submission:

Labcorp Genetics (formerly Invitae), Labcorp
Classification: Uncertain significance for Neuroblastoma, susceptibility to, 3. Last evaluated: 2019-05-02. Review status: criteria provided, single submitter. Criteria: Invitae Variant Classification Sherloc (09022015). Collection method: clinical testing. Allele origin: germline.
Comment: This variant has not been reported in the literature in individuals with ALK-related conditions. In summary, the available evidence is currently insufficient to determine the role of this variant in disease. Therefore, it has been classified as a Variant of Uncertain Significance. Algorithms developed to predict the effect of missense changes on protein structure and function are either unavailable or do not agree on the potential impact of this missense change (SIFT: "Deleterious"; PolyPhen-2: "Benign"; Align-GVGD: "Class C0"). The frequency data for this variant in the population databases is considered unreliable, as metrics indicate insufficient coverage at this position in the ExAC database. This sequence change replaces serine with proline at codon 124 of the ALK protein (p.Ser124Pro). The serine residue is weakly conserved and there is a moderate physicochemical difference between serine and proline.

NM_004304.5(ALK):c.370T>C (p.Ser124Pro)

Gene: ALK (ALK receptor tyrosine kinase; minus strand). Cytogenetic location: 2p23.1.
Variant type: single nucleotide variant.
Coding change: c.370T>C on transcript NM_004304.5 (MANE Select); coding-DNA position 370, T replaced by C.
Protein change: p.Ser124Pro; replaces serine 124 with proline.
Molecular consequence: missense variant.
Genome position (GRCh38, 1-based): chr2:29,920,290, A>G on the plus strand (T>C on the coding strand, the complement: ALK is on the minus strand). VCF-style: chr2-29920290-A-G. GRCh37 (hg19) VCF-style: chr2-30143156-A-G.
Other names: short protein forms S124P.
Identifiers: ClinVar variation 859322 (VCV000859322.9), dbSNP rs1364916594, ClinGen allele CA346590176.